The following is an entry in ClinVar:

ClinVar aggregate classification (germline): Pathogenic (1 of 4 stars; one submission).

Conditions:
Trichorhinophalangeal dysplasia type I (TRPS1). Also called: TRICHORHINOPHALANGEAL SYNDROME, TYPE I; TRPS I. Identifiers: Orphanet 77258, MedGen C0432233, MONDO:0008596, OMIM 190350.
Trichorhinophalangeal syndrome, type III (TRPS3). Also called: SUGIO-KAJII SYNDROME. Identifiers: Orphanet 77258, MedGen C1860823, OMIM 190351, MONDO:0008597.

Submission:

Labcorp Genetics (formerly Invitae), Labcorp
Classification: Pathogenic for Trichorhinophalangeal syndrome, type III; Trichorhinophalangeal dysplasia type I. Last evaluated: 2023-09-22. Review status: criteria provided, single submitter. Criteria: Invitae Variant Classification Sherloc (09022015). Collection method: clinical testing. Allele origin: germline.
Comment: This variant is also known as 1449delG. For these reasons, this variant has been classified as Pathogenic. This premature translational stop signal has been observed in individual(s) with trichorhinophalangeal syndrome (PMID: 11950061). This sequence change creates a premature translational stop signal (p.Asn497Metfs*3) in the TRPS1 gene. It is expected to result in an absent or disrupted protein product. Loss-of-function variants in TRPS1 are known to be pathogenic (PMID: 11112658). This variant is not present in population databases (gnomAD no frequency).

Literature cited by the submitters: PubMed 11950061; PubMed 11112658.

NM_014112.5(TRPS1):c.1488del (p.Asn497fs)

Gene: TRPS1 (transcriptional repressor GATA binding 1; minus strand). Cytogenetic location: 8q23.3.
Variant type: Deletion.
Coding change: c.1488del on transcript NM_014112.5 (MANE Select); coding-DNA position 1488, one base deleted (G; older notation c.1488delG).
Protein change: p.Asn497fs; shifts the reading frame from asparagine 497.
Molecular consequence: frameshift variant.
Genome position (GRCh38, 1-based): chr8:115,604,481, C deleted on the plus strand (G on the coding strand, the reverse complement: TRPS1 is on the minus strand). VCF-style (leftmost placement, unchanged base first): chr8-115604480-TC-T. GRCh37 (hg19) VCF-style: chr8-116616707-TC-T.
Other names: c.1461del, p.Asn488fs (NM_001282902.3); c.1467del, p.Asn490fs (NM_001282903.3); c.1449del, p.Asn484fs (NM_001330599.2); short protein forms N497fs, N484fs, N490fs, N488fs.
Identifiers: ClinVar variation 2932716 (VCV002932716.3), dbSNP rs2536890438, ClinGen allele CA2695210252.